The following is an entry in ClinVar:

NM_000368.5(TSC1):c.1569C>T (p.Ala523=)

Gene: TSC1 (TSC complex subunit 1; minus strand). Cytogenetic location: 9q34.13.
Variant type: single nucleotide variant.
Coding change: c.1569C>T on transcript NM_000368.5 (MANE Select); coding-DNA position 1569, C replaced by T.
Protein change: p.Ala523=; no amino-acid change (alanine 523 retained).
Molecular consequence: synonymous variant.
Genome position (GRCh38, 1-based): chr9:132,906,009, G>A on the plus strand (C>T on the coding strand, the complement: TSC1 is on the minus strand). VCF-style: chr9-132906009-G-A. GRCh37 (hg19) VCF-style: chr9-135781396-G-A.
Other names: c.1566C>T, p.Ala522= (NM_001162426.2); c.1416C>T, p.Ala472= (NM_001162427.2); c.1206C>T, p.Ala402= (NM_001362177.2).
Identifiers: ClinVar variation 819565 (VCV000819565.16), dbSNP rs1234835402, ClinGen allele CA467590978.

ClinVar aggregate classification (germline): Benign/Likely benign. Review status: criteria provided, multiple submitters, no conflicts (2 of 4 stars). 4 submissions from 4 submitters: Benign (2); Likely benign (2). Last evaluated 2025-04-10.

Conditions:
Hereditary cancer-predisposing syndrome. Also called: Hereditary Cancer Syndrome; Neoplastic Syndromes, Hereditary; Hereditary neoplastic syndrome; Tumor predisposition. Identifiers: Orphanet 140162, MedGen C0027672, MeSH D009386, MONDO:0015356.
Tuberous sclerosis 1 (TSC1). Identifiers: Orphanet 805, MedGen C1854465, MONDO:0008612, OMIM 191100.

Allele frequency attached by ClinVar (database versions not stated): gnomAD exomes below 0.00001.
gnomAD v4.1: 1 of 1,614,168 alleles (0.000062%); highest among the groups gnomAD compares: South Asian, 0.0011%; no homozygotes.

Submissions (4):

Myriad Genetics, Inc.
Classification: Benign for Tuberous sclerosis 1. Last evaluated: 2025-04-10. Review status: criteria provided, single submitter. Criteria: Myriad Autosomal Dominant, Autosomal Recessive and X-Linked Classification Criteria (2023). Collection method: clinical testing. Allele origin: unknown.
Comment: This variant is considered benign. This variant is a silent/synonymous amino acid change and it is not expected to impact splicing.

Labcorp Genetics (formerly Invitae), Labcorp
Classification: Likely benign for Tuberous sclerosis 1. Last evaluated: 2022-08-07. Review status: criteria provided, single submitter. Criteria: Invitae Variant Classification Sherloc (09022015). Collection method: clinical testing. Allele origin: germline.

Genome-Nilou Lab
Classification: Benign for Tuberous sclerosis 1. Last evaluated: 2021-11-07. Review status: criteria provided, single submitter. Criteria: ACMG Guidelines, 2015. Collection method: clinical testing. Allele origin: germline. Affected: no.

Ambry Genetics
Classification: Likely benign for Hereditary cancer-predisposing syndrome. Last evaluated: 2018-09-28. Review status: criteria provided, single submitter. Criteria: Ambry Variant Classification Scheme 2023. Collection method: clinical testing. Allele origin: germline.